The following is an entry in ClinVar:

NM_004168.4(SDHA):c.984G>A (p.Glu328=)

Gene: SDHA (succinate dehydrogenase complex flavoprotein subunit A; plus strand). Cytogenetic location: 5p15.33.
Variant type: single nucleotide variant.
Coding change: c.984G>A on transcript NM_004168.4 (MANE Select); coding-DNA position 984, G replaced by A.
Protein change: p.Glu328=; no amino-acid change (glutamic acid 328 retained).
Molecular consequence: synonymous variant.
Genome position (GRCh38, 1-based): chr5:233,565, G>A. VCF-style: chr5-233565-G-A. GRCh37 (hg19) VCF-style: chr5-233680-G-A.
Other names: c.840G>A, p.Glu280= (NM_001294332.2); c.984G>A, p.Glu328= (NM_001330758.2).
Identifiers: ClinVar variation 1550267 (VCV001550267.11), dbSNP rs1735555420, ClinGen allele CA442691693.

ClinVar aggregate classification (germline): Benign/Likely benign. Review status: criteria provided, multiple submitters, no conflicts (2 of 4 stars). 3 submissions from 3 submitters: Benign (1); Likely benign (2). Last evaluated 2025-12-08.

Conditions:
Pheochromocytoma/paraganglioma syndrome 5. Also called: Paragangliomas 5; SDHA-Related Hereditary Paraganglioma-Pheochromocytoma Syndrome. Identifiers: Orphanet 29072, MedGen C3279992, MONDO:0013602, OMIM 614165.
Mitochondrial complex II deficiency, nuclear type 1. Also called: SUCCINATE CoQ REDUCTASE DEFICIENCY. Identifiers: Orphanet 3208, MedGen C5700310, MONDO:0100294, OMIM 252011.
Hereditary cancer-predisposing syndrome. Also called: Tumor predisposition; Hereditary Cancer Syndrome; Hereditary neoplastic syndrome; Neoplastic Syndromes, Hereditary. Identifiers: Orphanet 140162, MedGen C0027672, MeSH D009386, MONDO:0015356.

Allele frequency attached by ClinVar (database versions not stated): TOPMed below 0.00001.

Submissions (3):

Labcorp Genetics (formerly Invitae), Labcorp
Classification: Likely benign for Pheochromocytoma/paraganglioma syndrome 5; Mitochondrial complex II deficiency, nuclear type 1. Last evaluated: 2025-12-08. Review status: criteria provided, single submitter. Criteria: Invitae Variant Classification Sherloc (09022015). Collection method: clinical testing. Allele origin: germline.

Myriad Genetics, Inc.
Classification: Benign for Pheochromocytoma/paraganglioma syndrome 5. Last evaluated: 2025-03-04. Review status: criteria provided, single submitter. Criteria: Myriad Autosomal Dominant, Autosomal Recessive and X-Linked Classification Criteria (2023). Collection method: clinical testing. Allele origin: unknown.
Comment: This variant is considered benign. This variant is a silent/synonymous amino acid change and it is not expected to impact splicing.

Ambry Genetics
Classification: Likely benign for Hereditary cancer-predisposing syndrome. Last evaluated: 2022-07-27. Review status: criteria provided, single submitter. Criteria: Ambry Variant Classification Scheme 2023. Collection method: clinical testing. Allele origin: germline.